The following is an entry in ClinVar:

NM_002203.4(ITGA2):c.2377G>A (p.Gly793Arg)

Gene: ITGA2 (integrin subunit alpha 2; plus strand). Cytogenetic location: 5q11.2.
Variant type: single nucleotide variant.
Coding change: c.2377G>A on transcript NM_002203.4 (MANE Select); coding-DNA position 2377, G replaced by A.
Protein change: p.Gly793Arg; replaces glycine 793 with arginine.
Molecular consequence: missense variant. On other transcripts: non-coding transcript variant (5).
Genome position (GRCh38, 1-based): chr5:53,072,643, G>A. VCF-style: chr5-53072643-G-A. GRCh37 (hg19) VCF-style: chr5-52368473-G-A.
Other names: short protein forms G793R.
Identifiers: ClinVar variation 353764 (VCV000353764.5), dbSNP rs118190231, ClinGen allele CA3263164.
Genomic context (GRCh38, chr5:53,072,643, plus strand): 5'-AATGTATGGATCTTTTTTCCTTTTTCGTAGATTCCTTTCCACAAAGACTGTGGTGAGGAC[G>A]GACTTTGCATTTCTGATCTAGTCCTAGATGTCCGACAAATACCAGCTGCTCAGTAAGTTT-3'
Protein context (NP_002194.2, residues 783-803): IPFHKDCGED[Gly793Arg]LCISDLVLDV

ClinVar aggregate classification (germline): Benign (1 of 4 stars; one submission).

Conditions:
Platelet-type bleeding disorder 9 (BDPLT9). Also called: GLYCOPROTEIN Ia DEFICIENCY; GP Ia DEFICIENCY; COLLAGEN PLATELET RECEPTOR DEFICIENCY. Identifiers: Orphanet 73271, Orphanet 98886, MedGen C3280114, MONDO:0013622, OMIM 614200.

Allele frequency attached by ClinVar (database versions not stated): gnomAD 0.00013 and 0.00038; gnomAD exomes 0.00013 and 0.00067; TOPMed 0.00013; ExAC 0.00021; 1000 Genomes Project 30x 0.00172; 1000 Genomes Project 0.00220.
gnomAD v4.1: 1,008 of 1,610,418 alleles (0.063%); highest among the groups gnomAD compares: East Asian, 2.2%; 22 homozygotes.

Submission:

Illumina Laboratory Services, Illumina
Classification: Benign for Platelet-type bleeding disorder 9. Last evaluated: 2018-01-13. Review status: criteria provided, single submitter. Criteria: ICSL Variant Classification Criteria 13 December 2019. Collection method: clinical testing. Allele origin: germline.
Comment: This variant was observed in the ICSL laboratory as part of a predisposition screen in an ostensibly healthy population. It had not been previously curated by ICSL or reported in the Human Gene Mutation Database (HGMD: prior to June 1st, 2018), and was therefore a candidate for classification through an automated scoring system. Utilizing variant allele frequency, disease prevalence and penetrance estimates, and inheritance mode, an automated score was calculated to assess if this variant is too frequent to cause the disease. Based on the score and internal cut-off values, a variant classified as benign is not then subjected to further curation. The score for this variant resulted in a classification of benign for this disease.